The following is an entry in ClinVar:

ClinVar aggregate classification (germline): Uncertain significance (1 of 4 stars; one submission).

Allele frequency attached by ClinVar (database versions not stated): gnomAD 0.00001; 1000 Genomes Project 30x 0.00016.
gnomAD v4.1: 2 of 1,595,234 alleles (0.00013%); highest among the groups gnomAD compares: Admixed American, 0.0018%; no homozygotes.

Submission:

CeGaT Center for Human Genetics Tuebingen
Classification: Uncertain significance. Last evaluated: 2025-11-01. Review status: criteria provided, single submitter. Criteria: CeGaT Center For Human Genetics Tuebingen Variant Classification Criteria Version 2. Collection method: clinical testing. Allele origin: germline. Affected: yes. Observed: 1 variant allele.
Comment: RASA2: PM2:Supporting

NM_006506.5(RASA2):c.1020+1G>C

Gene: RASA2 (RAS p21 protein activator 2; plus strand). Cytogenetic location: 3q23.
Variant type: single nucleotide variant.
Coding change: c.1020+1G>C on transcript NM_006506.5 (MANE Select); the canonical splice donor site of the intron after coding-DNA position 1020, G replaced by C.
Molecular consequence: splice donor variant.
Genome position (GRCh38, 1-based): chr3:141,571,069, G>C. VCF-style: chr3-141571069-G-C. GRCh37 (hg19) VCF-style: chr3-141289911-G-C.
Other names: c.1020+1G>C (NM_001303245.3, NM_001303246.3).
Identifiers: ClinVar variation 1176467 (VCV001176467.35), dbSNP rs2082911337, ClinGen allele CA354775691.
Genomic context (GRCh38, chr3:141,571,069, plus strand): 5'-CTTCCTTCAGAGTACTATGGTCCTTTGAAAACTTTGCTGCTAAAATCACCAGATGTTCAA[G>C]TATGTTAAGAATCTTAAGGATATGATTTAACACGAAACGGCTAAAATAATTCTATAAATG-3'